The following is an entry in ClinVar:

ClinVar aggregate classification (germline): Uncertain significance (1 of 4 stars; one submission).

Submission:

Labcorp Genetics (formerly Invitae), Labcorp
Classification: Uncertain significance. Last evaluated: 2023-03-22. Review status: criteria provided, single submitter. Criteria: Invitae Variant Classification Sherloc (09022015). Collection method: clinical testing. Allele origin: germline.
Comment: In summary, the available evidence is currently insufficient to determine the role of this variant in disease. Therefore, it has been classified as a Variant of Uncertain Significance. Advanced modeling of protein sequence and biophysical properties (such as structural, functional, and spatial information, amino acid conservation, physicochemical variation, residue mobility, and thermodynamic stability) performed at Invitae indicates that this missense variant is not expected to disrupt POLE protein function. This variant has not been reported in the literature in individuals affected with POLE-related conditions. This variant is not present in population databases (gnomAD no frequency). This sequence change replaces glutamic acid, which is acidic and polar, with aspartic acid, which is acidic and polar, at codon 851 of the POLE protein (p.Glu851Asp).

NM_006231.4(POLE):c.2553G>C (p.Glu851Asp)

Gene: POLE (DNA polymerase epsilon, catalytic subunit; minus strand). Cytogenetic location: 12q24.33.
Variant type: single nucleotide variant.
Coding change: c.2553G>C on transcript NM_006231.4 (MANE Select); coding-DNA position 2553, G replaced by C.
Protein change: p.Glu851Asp; replaces glutamic acid 851 with aspartic acid.
Molecular consequence: missense variant.
Genome position (GRCh38, 1-based): chr12:132,664,378, C>G on the plus strand (G>C on the coding strand, the complement: POLE is on the minus strand). VCF-style: chr12-132664378-C-G. GRCh37 (hg19) VCF-style: chr12-133240964-C-G.
Other names: short protein forms E851D.
Identifiers: ClinVar variation 2848590 (VCV002848590.3), dbSNP rs1286848399, ClinGen allele CA387396174.